The following is an entry in ClinVar:

NM_000169.3(GLA):c.164A>G (p.Asp55Gly)

Genes: GLA (galactosidase alpha; minus strand), RPL36A-HNRNPH2 (RPL36A-HNRNPH2 readthrough; plus strand). Cytogenetic location: Xq22.1.
Variant type: single nucleotide variant.
Coding change: c.164A>G on transcript NM_000169.3 (MANE Select); coding-DNA position 164, A replaced by G.
Protein change: p.Asp55Gly; replaces aspartic acid 55 with glycine.
Molecular consequence: missense variant. On other transcripts: non-coding transcript variant (3), intron variant (2).
Genome position (GRCh38, 1-based): chrX:101,407,740, T>C on the plus strand (A>G on the coding strand, the complement: GLA is on the minus strand). VCF-style: chrX-101407740-T-C. GRCh37 (hg19) VCF-style: chrX-100662728-T-C.
Other names: c.164A>G, p.Asp55Gly (NM_001406747.1, NM_001406748.1, NM_001406749.1); c.301-4196T>C (NM_001199973.2); c.178-4196T>C (NM_001199974.2); short protein forms D55G.
Identifiers: ClinVar variation 4087291 (VCV004087291.2).
Genomic context (GRCh38, chrX:101,407,740, plus strand): 5'-AAAGGGAAGGGAGTACCCAATATCTGATACCTGATGCAGGAATCTGGCTCTTCCTGGCAG[T>C]CAAGGTTGCACATGAAGCGCTCCCAGTGCAGCCAGCCCATGGTAGGCGTCCTTGCCAATC-3'
Protein context (NP_000160.1, residues 45-65): LHWERFMCNL[Asp55Gly]CQEEPDSCIS

ClinVar aggregate classification (germline): Uncertain significance (1 of 4 stars; one submission).

Conditions:
Fabry disease. Also called: ALPHA-GALACTOSIDASE A DEFICIENCY; ANDERSON-FABRY DISEASE; CERAMIDE TRIHEXOSIDASE DEFICIENCY; GLA DEFICIENCY; HEREDITARY DYSTOPIC LIPIDOSIS; Angiokeratoma corporis diffusum. Identifiers: Orphanet 324, MedGen C0002986, MONDO:0010526, OMIM 301500, HP:0001071. Disease mechanism: Fabry disease is due to inactivating mutations in the X-linked GLA gene resulting in deficiency of the enzyme Alpha Galactosidase-A., loss of function.

Submission:

Genomenon, Inc
Classification: Uncertain significance for Fabry disease. Last evaluated: 2026-09-08. Review status: criteria provided, single submitter. Criteria: Genomenon Sequence Variant Interpretation Standards - Updated. Collection method: curation. Allele origin: germline. Affected: no.
Comment: GLA p.Asp55Gly (c.164A>G) is a missense variant that changes the amino acid at codon 55 from Aspartic acid to Glycine. This variant has been reported in the published literature (PMID:34679477;31392112;30316069;35972684). This variant is located in a mutational hotspot and/or important functional domain. It is absent or not present at a significant frequency in gnomAD. In silico models predict that this variant is possibly or probably damaging. In conclusion, we classify GLA p.Asp55Gly (c.164A>G) as a variant of uncertain significance.

Literature cited by the submitters: PubMed 34679477; PubMed 31392112; PubMed 30316069; PubMed 35972684.